The following is an entry in ClinVar:

NM_000155.4(GALT):c.329-2A>C

Gene: GALT (galactose-1-phosphate uridylyltransferase; plus strand). Cytogenetic location: 9p13.3.
Variant type: single nucleotide variant.
Coding change: c.329-2A>C on transcript NM_000155.4 (MANE Select); the canonical splice acceptor site of the intron before coding-DNA position 329, A replaced by C.
Molecular consequence: splice acceptor variant. On other transcripts: intron variant (1).
Genome position (GRCh38, 1-based): chr9:34,647,655, A>C. VCF-style: chr9-34647655-A-C. GRCh37 (hg19) VCF-style: chr9-34647652-A-C.
Other names: c.51-177A>C (NM_001258332.2).
Identifiers: ClinVar variation 25154 (VCV000025154.33), dbSNP rs111033667, ClinGen allele CA259363.

ClinVar aggregate classification (germline): Pathogenic. Review status: criteria provided, multiple submitters, no conflicts (2 of 4 stars). 10 submissions from 10 submitters: Pathogenic (9). 1 of the submissions does not count toward it. Last evaluated 2025-08-12.

Conditions:
Galactosemia. Also called: Galactose intolerance. Identifiers: Orphanet 352, MedGen C0016952, MONDO:0018116, HP:0004919. Disease mechanism: loss of function.
Deficiency of UDPglucose-hexose-1-phosphate uridylyltransferase. Also called: GALACTOSEMIA I; GALT deficiency; Galactosemia, classic; GALACTOSE-1-PHOSPHATE URIDYLYLTRANSFERASE DEFICIENCY; Transferase Deficiency Galactosemia. Identifiers: Orphanet 352, Orphanet 79239, MedGen C0268151, MONDO:0009258, OMIM 230400.

Allele frequency attached by ClinVar (database versions not stated): ExAC 0.00001; gnomAD 0.00001; gnomAD exomes 0.00002; TOPMed 0.00002.
gnomAD v4.1: 28 of 1,614,010 alleles (0.0017%); highest among the groups gnomAD compares: Non-Finnish European, 0.0023%; no homozygotes.

Submissions (12):

Natera, Inc.
Classification: Pathogenic for Galactosemia. Last evaluated: 2025-08-12. Review status: criteria provided, single submitter. Criteria: Natera Variant Classification Schema (03/2026). Collection method: clinical testing. Allele origin: germline.
Comment: The c.329-2A>C variant in GALT is a canonical splice acceptor site variant predicted to affect pre-mRNA splicing, which may result in an abnormal transcript and altered protein product. This variant is expected to result in nonsense mediated decay, truncation, or a dysfunctional protein product. This variant is rare in the general population with a frequency below the threshold expected for the associated phenotype(s). This variant has been observed in one or more individuals affected with the associated recessive disease, as either homozygous or compound heterozygous with a second variant (PMID: 10399107). Given the available evidence, this variant is classified as Pathogenic.

ARUP Laboratories, Molecular Genetics and Genomics, ARUP Laboratories
Classification: Pathogenic for Deficiency of UDPglucose-hexose-1-phosphate uridylyltransferase. Last evaluated: 2025-05-30. Review status: criteria provided, single submitter. Criteria: ARUP Molecular Germline Variant Investigation Process 2024. Collection method: clinical testing. Allele origin: germline.
Comment: The GALT c.329-2A>C variant (rs, ClinVar Variation ID: 25154), also reported as IVSC, is reported in the literature in multiple individuals with clinical suspicion of galactosemia and who carried additional pathogenic variation in GALT (Elsas 1995, Jezela-Stanek 2021, Rokaite 2020). This variant is only observed on five alleles in the Genome Aggregation Database (v2.1.1), indicating it is not a common polymorphism. This variant disrupts the canonical splice acceptor site of intron 3, which is likely to negatively impact gene function. Based on available information, this variant is considered to be pathogenic.

CeGaT Center for Human Genetics Tuebingen
Classification: Pathogenic. Last evaluated: 2025-04-01. Review status: criteria provided, single submitter. Criteria: CeGaT Center For Human Genetics Tuebingen Variant Classification Criteria Version 2. Collection method: clinical testing. Allele origin: germline. Affected: yes. Observed: 1 variant allele.
Comment: GALT: PM3:Very Strong, PVS1, PM2, PP4:Moderate

Mayo Clinic Laboratories, Mayo Clinic
Classification: Pathogenic. Last evaluated: 2025-01-27. Review status: criteria provided, single submitter. Criteria: ACMG Guidelines, 2015. Collection method: clinical testing. Allele origin: germline. Observed: 2 variant alleles.
Comment: PP4, PM2_moderate, PM3, PS4_moderate, PVS1

Labcorp Genetics (formerly Invitae), Labcorp
Classification: Pathogenic for Deficiency of UDPglucose-hexose-1-phosphate uridylyltransferase. Last evaluated: 2024-12-30. Review status: criteria provided, single submitter. Criteria: Invitae Variant Classification Sherloc (09022015). Collection method: clinical testing. Allele origin: germline.
Comment: This sequence change affects an acceptor splice site in intron 3 of the GALT gene. It is expected to disrupt RNA splicing. Variants that disrupt the donor or acceptor splice site typically lead to a loss of protein function (PMID: 16199547), and loss-of-function variants in GALT are known to be pathogenic (PMID: 22944367). This variant is present in population databases (rs111033667, gnomAD 0.007%). Disruption of this splice site has been observed in individuals with galactosemia (PMID: 7887416, 10399107). This variant is also known as IVS3nt-2A>C. ClinVar contains an entry for this variant (Variation ID: 25154). Algorithms developed to predict the effect of sequence changes on RNA splicing suggest that this variant may disrupt the consensus splice site. For these reasons, this variant has been classified as Pathogenic.

Baylor Genetics
Classification: Pathogenic for Deficiency of UDPglucose-hexose-1-phosphate uridylyltransferase. Last evaluated: 2024-02-20. Review status: criteria provided, single submitter. Criteria: ACMG Guidelines, 2015. Collection method: clinical testing. Allele origin: unknown.

Fulgent Genetics
Classification: Pathogenic for Deficiency of UDPglucose-hexose-1-phosphate uridylyltransferase. Last evaluated: 2024-02-01. Review status: criteria provided, single submitter. Criteria: ACMG Guidelines, 2015. Collection method: clinical testing. Allele origin: germline.

GeneDx
Classification: Pathogenic. Last evaluated: 2021-05-25. Review status: criteria provided, single submitter. Criteria: GeneDx Variant Classification Process June 2021. Collection method: clinical testing. Allele origin: germline. Affected: yes.
Comment: Canonical splice site variant predicted to result in a null allele in a gene for which loss-of-function is a known mechanism of disease; This variant is associated with the following publications: (PMID: 7887416, 10399107, 22944367, 25525159)

Women's Health and Genetics/Laboratory Corporation of America, LabCorp
Classification: Pathogenic for Deficiency of UDPglucose-hexose-1-phosphate uridylyltransferase. Last evaluated: 2018-12-24. Review status: criteria provided, single submitter. Criteria: LabCorp Variant Classification Summary - May 2015. Collection method: clinical testing. Allele origin: germline.
Comment: Variant summary: GALT c.329-2A>C is located in a canonical splice-site and is predicted to affect mRNA splicing resulting in a significantly altered protein due to either exon skipping, shortening, or inclusion of intronic material. Several computational tools predict a significant impact on normal splicing: Five predict the variant abolishes a 3' acceptor site. These predictions are supported by the evidence that patient with homozygous allele has no measurable GALT activity (Zekanowsko_1999). The variant allele was found at a frequency of 2e-05 in 246254 control chromosomes. c.329-2A>C has been reported in the literature in multiple individuals affected with Galactosemia (Elsas_1995, Zekanowski_1999, Zekanowski_2001, Boutron_2012, Bosch_2005). These data indicate that the variant is very likely to be associated with disease. At least one publication reports experimental evidence evaluating an impact on protein function. The most pronounced variant effect results in unmeasurable activity (Zekanowski_1999). Two clinical diagnostic laboratories have submitted clinical-significance assessments for this variant to ClinVar after 2014 without evidence for independent evaluation. All laboratories classified the variant as pathogenic. Based on the evidence outlined above, the variant was classified as pathogenic.

Counsyl
Classification: Pathogenic for Deficiency of UDPglucose-hexose-1-phosphate uridylyltransferase. Last evaluated: 2016-01-21. Review status: no assertion criteria provided. Collection method: clinical testing. Allele origin: unknown. Not counted in ClinVar's aggregate classification.

Dr. Peter K. Rogan Lab, Western University
No classification provided (evidence only). Condition: Clear cell carcinoma of kidney. Review status: no classification provided. Collection method: in vitro. Allele origin: not applicable. Functional consequence: retained intron. Not counted in ClinVar's aggregate classification.

Dr. Peter K. Rogan Lab, Western University
No classification provided (evidence only). Condition: Ovarian serous cystadenocarcinoma. Review status: no classification provided. Collection method: in vitro. Allele origin: not applicable. Functional consequence: retained intron. Not counted in ClinVar's aggregate classification.

Literature cited by the submitters: PubMed 10399107 (cited by 3 submitters); PubMed 11678552 (cited by Mayo Clinic Laboratories, Mayo Clinic); PubMed 22944367 (cited by 4 submitters); PubMed 25525159 (cited by Mayo Clinic Laboratories, Mayo Clinic); PubMed 33113773 (cited by Mayo Clinic Laboratories, Mayo Clinic); PubMed 34030713 (cited by Mayo Clinic Laboratories, Mayo Clinic); PubMed 37563963 (cited by Mayo Clinic Laboratories, Mayo Clinic); PubMed 7887416 (cited by 4 submitters); PubMed 16199547 (cited by Labcorp Genetics (formerly Invitae), Labcorp); PubMed 10408771 (cited by Women's Health and Genetics/Laboratory Corporation of America, LabCorp); PubMed 15841485 (cited by Women's Health and Genetics/Laboratory Corporation of America, LabCorp).